The following is an entry in ClinVar:

ClinVar aggregate classification (germline): Uncertain significance. Review status: criteria provided, multiple submitters, no conflicts (2 of 4 stars). 3 submissions from 3 submitters: Uncertain significance (3). Last evaluated 2026-01-26.

Conditions:
Immunodeficiency 27A (IMD27A). Also called: IMMUNODEFICIENCY 27A, MYCOBACTERIOSIS, AUTOSOMAL RECESSIVE; IFNGR1 DEFICIENCY, AUTOSOMAL RECESSIVE. Identifiers: Orphanet 319569, Orphanet 99898, MedGen C4011949, MONDO:0008856, OMIM 209950.
Disseminated atypical mycobacterial infection. Identifiers: MedGen C0694566.

Allele frequency attached by ClinVar (database versions not stated): ESP Exome Variant Server 0.00008; ExAC 0.00009; gnomAD 0.00009; gnomAD exomes 0.00009 and 0.00013; TOPMed 0.00011.

Submissions (4):

Labcorp Genetics (formerly Invitae), Labcorp
Classification: Uncertain significance for Disseminated atypical mycobacterial infection. Last evaluated: 2026-01-26. Review status: criteria provided, single submitter. Criteria: Invitae Variant Classification Sherloc (09022015). Collection method: clinical testing. Allele origin: germline.
Comment: This sequence change affects codon 28 of the IFNGR1 mRNA. It is a 'silent' change, meaning that it does not change the encoded amino acid sequence of the IFNGR1 protein. This variant is present in population databases (rs201996266, gnomAD 0.02%). This variant has not been reported in the literature in individuals affected with IFNGR1-related conditions. ClinVar contains an entry for this variant (Variation ID: 355563). Algorithms developed to predict the effect of sequence changes on RNA splicing suggest that this variant may disrupt the consensus splice site. In summary, the available evidence is currently insufficient to determine the role of this variant in disease. Therefore, it has been classified as a Variant of Uncertain Significance.

Blueprint Genetics
Classification: Uncertain significance. Last evaluated: 2024-07-02. Review status: criteria provided, single submitter. Criteria: ACMG Guidelines, 2015. Collection method: clinical testing. Allele origin: germline.

Illumina Laboratory Services, Illumina
Classification: Uncertain significance for Immunodeficiency 27A. Last evaluated: 2018-01-12. Review status: criteria provided, single submitter. Criteria: ICSL Variant Classification Criteria 13 December 2019. Collection method: clinical testing. Allele origin: germline.

Dr. Peter K. Rogan Lab, Western University
No classification provided (evidence only). Condition: Ovarian serous cystadenocarcinoma. Review status: no classification provided. Collection method: in vitro. Allele origin: not applicable. Functional consequence: retained intron. Not counted in ClinVar's aggregate classification.

NM_000416.3(IFNGR1):c.84A>G (p.Ser28=)

Gene: IFNGR1 (interferon gamma receptor 1; minus strand). Cytogenetic location: 6q23.3.
Variant type: single nucleotide variant.
Coding change: c.84A>G on transcript NM_000416.3 (MANE Select); coding-DNA position 84, A replaced by G.
Protein change: p.Ser28=; no amino-acid change (serine 28 retained).
Molecular consequence: synonymous variant.
Genome position (GRCh38, 1-based): chr6:137,219,244, T>C on the plus strand (A>G on the coding strand, the complement: IFNGR1 is on the minus strand). VCF-style: chr6-137219244-T-C. GRCh37 (hg19) VCF-style: chr6-137540381-T-C.
Identifiers: ClinVar variation 355563 (VCV000355563.17), dbSNP rs201996266, ClinGen allele CA4019094.
Genomic context (GRCh38, chr6:137,219,244, plus strand): 5'-CGGATCCCTCCCTCCCTCTCGTCCCGACCCGGCCGCAGCCCTGCCGCGAACGACGGTACC[T>C]GAGGACGGCCCCAGATCCGCGGTGCCCATCTCAGCCCTGCTCACACCCTGCATGACAAGG-3'
Protein context (NP_000407.1, residues 18-38): EMGTADLGPS[Ser28=]VPTPTNVTIE